The following is an entry in ClinVar:

NM_198241.3(EIF4G1):c.4435G>C (p.Val1479Leu)

Gene: EIF4G1 (eukaryotic translation initiation factor 4 gamma 1; plus strand). Cytogenetic location: 3q27.1.
Variant type: single nucleotide variant.
Coding change: c.4435G>C on transcript NM_198241.3 (MANE Select); coding-DNA position 4435, G replaced by C.
Protein change: p.Val1479Leu; replaces valine 1479 with leucine.
Molecular consequence: missense variant.
Genome position (GRCh38, 1-based): chr3:184,331,767, G>C. VCF-style: chr3-184331767-G-C. GRCh37 (hg19) VCF-style: chr3-184049555-G-C.
Other names: c.4456G>C, p.Val1486Leu (NM_001194946.2, NM_001194947.2); c.4315G>C, p.Val1439Leu (NM_001291157.2); c.3850G>C, p.Val1284Leu (NM_004953.5); c.4438G>C, p.Val1480Leu (NM_182917.4); c.3943G>C, p.Val1315Leu (NM_198242.3); c.4174G>C, p.Val1392Leu (NM_198244.3); c.4456G>C (NM_001194946.1); short protein forms V1284L, V1315L, V1392L, V1439L, V1479L, V1480L, V1486L.
Identifiers: ClinVar variation 2634715 (VCV002634715.2), dbSNP rs771582218, ClinGen allele CA2733145.

ClinVar aggregate classification (germline): Uncertain significance. Review status: criteria provided, multiple submitters, no conflicts (2 of 4 stars). 2 submissions from 2 submitters: Uncertain significance (2). Last evaluated 2025-03-21.

Conditions:
EIF4G1-related disorder. Also called: EIF4G1-related condition.

Allele frequency attached by ClinVar (database versions not stated): ExAC 0.00001; gnomAD 0.00001; gnomAD exomes 0.00001; TOPMed 0.00001.
gnomAD v4.1: 13 of 1,614,212 alleles (0.00081%); highest among the groups gnomAD compares: Middle Eastern, 0.016%; no homozygotes.

Submissions (2):

Ambry Genetics
Classification: Uncertain significance. Last evaluated: 2025-03-21. Review status: criteria provided, single submitter. Criteria: Ambry Variant Classification Scheme 2023. Collection method: clinical testing. Allele origin: germline.

PreventionGenetics, part of Exact Sciences
Classification: Uncertain significance for EIF4G1-related condition. Last evaluated: 2023-07-20. Review status: criteria provided, single submitter. Criteria: ACMG Guidelines, 2015. Collection method: clinical testing. Allele origin: germline.
Comment: The EIF4G1 c.4435G>C variant is predicted to result in the amino acid substitution p.Val1479Leu. To our knowledge, this variant has not been reported in the literature. This variant is reported in 0.0029% of alleles in individuals of Latino descent in gnomAD. At this time, the clinical significance of this variant is uncertain due to the absence of conclusive functional and genetic evidence.